The following is an entry in ClinVar:

NM_001377.3(DYNC2H1):c.8312-318T>A

Gene: DYNC2H1 (dynein cytoplasmic 2 heavy chain 1; plus strand). Cytogenetic location: 11q22.3.
Variant type: single nucleotide variant.
Coding change: c.8312-318T>A on transcript NM_001377.3 (MANE Select); 318 bases into the intron before coding-DNA position 8312, T replaced by A.
Molecular consequence: intron variant.
Genome position (GRCh38, 1-based): chr11:103,204,504, T>A. VCF-style: chr11-103204504-T-A. GRCh37 (hg19) VCF-style: chr11-103075233-T-A.
Other names: c.8312-318T>A (NM_001080463.2).
Identifiers: ClinVar variation 667723 (VCV000667723.1), dbSNP rs669787, ClinGen allele CA227413203.
Genomic context (GRCh38, chr11:103,204,504, plus strand): 5'-ACTATTGAACCATTTAGATTGTGCCAGACTTCATAGTTTTAAAAAACTAGCCTTTTATTC[T>A]TATAGAAACAGTTTTATATGCACTGTAGAAATCCAAAATTGAAATAAGTAAAAAATGAGG-3'

ClinVar aggregate classification (germline): Benign (1 of 4 stars; one submission).

Allele frequency attached by ClinVar (database versions not stated): 1000 Genomes Project 0.93231; TOPMed 0.94410; 1000 Genomes Project 30x 0.93520.
gnomAD v4.1: 143,683 of 152,196 alleles (94%); highest among the groups gnomAD compares: African/African-American, 98%; 67,900 homozygotes.

Submission:

GeneDx
Classification: Benign. Last evaluated: 2018-06-17. Review status: criteria provided, single submitter. Criteria: GeneDx Variant Classification (06012015). Collection method: clinical testing. Allele origin: germline. Affected: yes.
Comment: This variant is considered likely benign or benign based on one or more of the following criteria: it is a conservative change, it occurs at a poorly conserved position in the protein, it is predicted to be benign by multiple in silico algorithms, and/or has population frequency not consistent with disease.